The following is an entry in ClinVar:

ClinVar aggregate classification (germline): Uncertain significance. Review status: criteria provided, multiple submitters, no conflicts (2 of 4 stars). 3 submissions from 3 submitters: Uncertain significance (2). 1 of the submissions does not count toward it. Last evaluated 2025-12-08.

Conditions:
Fanconi anemia (FA). Also called: Fanconi's anemia. Identifiers: Orphanet 84, MedGen C0015625, MeSH D005199, MONDO:0019391.

Allele frequency attached by ClinVar (database versions not stated): gnomAD 0.00002 and 0.00003; gnomAD exomes 0.00002; TOPMed 0.00003; ExAC 0.00004; 1000 Genomes Project 30x 0.00016; 1000 Genomes Project 0.00020.
gnomAD v4.1: 47 of 1,610,330 alleles (0.0029%); highest among the groups gnomAD compares: East Asian, 0.0067%; no homozygotes.

Submissions (3):

Labcorp Genetics (formerly Invitae), Labcorp
Classification: Uncertain significance for Fanconi anemia. Last evaluated: 2025-12-08. Review status: criteria provided, single submitter. Criteria: Invitae Variant Classification Sherloc (09022015). Collection method: clinical testing. Allele origin: germline.
Comment: This sequence change replaces alanine, which is neutral and non-polar, with threonine, which is neutral and polar, at codon 737 of the FANCA protein (p.Ala737Thr). The frequency data for this variant in the population databases is considered unreliable, as metrics indicate poor data quality at this position in the gnomAD database. This variant has not been reported in the literature in individuals affected with FANCA-related conditions. ClinVar contains an entry for this variant (Variation ID: 965090). Invitae Evidence Modeling of protein sequence and biophysical properties (such as structural, functional, and spatial information, amino acid conservation, physicochemical variation, residue mobility, and thermodynamic stability) indicates that this missense variant is not expected to disrupt FANCA protein function with a negative predictive value of 95%. In summary, the available evidence is currently insufficient to determine the role of this variant in disease. Therefore, it has been classified as a Variant of Uncertain Significance.

Quest Diagnostics Nichols Institute San Juan Capistrano
Classification: Uncertain significance. Last evaluated: 2025-07-28. Review status: criteria provided, single submitter. Criteria: Quest Diagnostics criteria. Collection method: clinical testing. Allele origin: unknown.
Comment: The FANCA c.2209G>A (p.Ala737Thr) variant has been reported in the published literature in individuals with premature ovarian insufficiency (PMID: 37349538 (2023)). The frequency of this variant in the general population (Genome Aggregation Database) is uninformative in the assessment of its pathogenicity. Analysis of this variant using bioinformatics tools for the prediction of the effect of amino acid changes on protein structure and function yielded predictions that this variant is benign. Based on the available information, we are unable to determine the clinical significance of this variant.

Natera, Inc.
Classification: Uncertain significance for Fanconi anemia. Last evaluated: 2020-01-17. Review status: no assertion criteria provided. Collection method: clinical testing. Allele origin: germline. Not counted in ClinVar's aggregate classification.

Literature cited by the submitters: PubMed 37349538 (cited by Quest Diagnostics Nichols Institute San Juan Capistrano); PubMed 32620917 (cited by Quest Diagnostics Nichols Institute San Juan Capistrano).

NM_000135.4(FANCA):c.2209G>A (p.Ala737Thr)

Gene: FANCA (FA complementation group A; minus strand). Cytogenetic location: 16q24.3.
Variant type: single nucleotide variant.
Coding change: c.2209G>A on transcript NM_000135.4 (MANE Select); coding-DNA position 2209, G replaced by A.
Protein change: p.Ala737Thr; replaces alanine 737 with threonine.
Molecular consequence: missense variant.
Genome position (GRCh38, 1-based): chr16:89,770,577, C>T on the plus strand (G>A on the coding strand, the complement: FANCA is on the minus strand). VCF-style: chr16-89770577-C-T. GRCh37 (hg19) VCF-style: chr16-89836985-C-T.
Other names: c.2209G>A (NM_000135.3); c.2209G>A, p.Ala737Thr (NM_001286167.3); short protein forms A737T.
Identifiers: ClinVar variation 965090 (VCV000965090.12), dbSNP rs539161141, ClinGen allele CA8251849.
Genomic context (GRCh38, chr16:89,770,577, plus strand): 5'-GGCACCCAGAGGAGCCCCACCACTCAGGGAGCTGCCCGCGCCTTCACCTCTCCGGGGGAG[C>T]GACACTGGAGGCAGCCATCAGGTTCTGACAGAAAGACGTCAGCAGGAGGTCCACAGCCTG-3'
Protein context (NP_000126.2, residues 727-747): CQNLMAASSV[Ala737Thr]PPERQGPWAA